The following is an entry in ClinVar:

NM_001378120.1(MBD5):c.745G>A (p.Val249Ile)

Gene: MBD5 (methyl-CpG binding domain protein 5; plus strand). Cytogenetic location: 2q23.1.
Variant type: single nucleotide variant.
Coding change: c.745G>A on transcript NM_001378120.1 (MANE Select); coding-DNA position 745, G replaced by A.
Protein change: p.Val249Ile; replaces valine 249 with isoleucine.
Molecular consequence: missense variant.
Genome position (GRCh38, 1-based): chr2:148,468,688, G>A. VCF-style: chr2-148468688-G-A. GRCh37 (hg19) VCF-style: chr2-149226257-G-A.
Other names: c.745G>A, p.Val249Ile (NM_018328.5); short protein forms V249I.
Identifiers: ClinVar variation 3898569 (VCV003898569.7).
Genomic context (GRCh38, chr2:148,468,688, plus strand): 5'-TCCCAGATATATGGAGATGGTTCAATCTCTCCAAGGACTGACCCACTTGGAAGTCCTGAT[G>A]TTTTCACAAGAAGTAATCCTGGTTTTCATGGAGCTCCCAATTCTAGTCCTATTCACCTGA-3'
Protein context (NP_001365049.1, residues 239-259): PRTDPLGSPD[Val249Ile]FTRSNPGFHG

ClinVar aggregate classification (germline): Uncertain significance (1 of 4 stars; one submission).

gnomAD v4.1: 2 of 1,613,746 alleles (0.00012%); highest among the groups gnomAD compares: African/African-American, 0.0027%; no homozygotes.

Submission:

CeGaT Center for Human Genetics Tuebingen
Classification: Uncertain significance. Last evaluated: 2025-04-01. Review status: criteria provided, single submitter. Criteria: CeGaT Center For Human Genetics Tuebingen Variant Classification Criteria Version 2. Collection method: clinical testing. Allele origin: germline. Affected: yes. Observed: 1 variant allele.
Comment: MBD5: PM2, BP4